The following is an entry in ClinVar:

ClinVar aggregate classification (germline): Benign/Likely benign. Review status: criteria provided, multiple submitters, no conflicts (2 of 4 stars). 3 submissions from 3 submitters: Benign (1); Likely benign (2). Last evaluated 2026-06-08.

Conditions:
Pheochromocytoma. Also called: MAX-Related Hereditary Paraganglioma-Pheochromocytoma Syndrome. Identifiers: Orphanet 29072, MedGen C0031511, MONDO:0008233, OMIM 171300, HP:0002666.
Hereditary cancer-predisposing syndrome. Also called: Hereditary Cancer Syndrome; Neoplastic Syndromes, Hereditary; Hereditary neoplastic syndrome; Tumor predisposition. Identifiers: Orphanet 140162, MedGen C0027672, MeSH D009386, MONDO:0015356.
Hereditary pheochromocytoma and paraganglioma. Also called: Hereditary pheochromocytoma-paraganglioma; Hereditary Paraganglioma-Pheochromocytoma Syndromes; Hereditary paragangliomas and pheochromocytomas. Identifiers: Orphanet 29072, MedGen C4274332, MONDO:0017366.

Allele frequency attached by ClinVar (database versions not stated): TOPMed 0.00001; gnomAD 0.00002.
gnomAD v4.1: 19 of 1,613,740 alleles (0.0012%); highest among the groups gnomAD compares: Non-Finnish European, 0.0014%; no homozygotes.

Submissions (3):

Myriad Genetics, Inc.
Classification: Benign for Pheochromocytoma. Last evaluated: 2026-06-08. Review status: criteria provided, single submitter. Criteria: Myriad Autosomal Dominant, Autosomal Recessive and X-Linked Classification Criteria (2023). Collection method: clinical testing. Allele origin: unknown.
Comment: This variant is considered benign. This variant is a silent/synonymous amino acid change and it is not expected to impact splicing.

Labcorp Genetics (formerly Invitae), Labcorp
Classification: Likely benign for Hereditary pheochromocytoma and paraganglioma. Last evaluated: 2025-11-10. Review status: criteria provided, single submitter. Criteria: Invitae Variant Classification Sherloc (09022015). Collection method: clinical testing. Allele origin: germline.

Ambry Genetics
Classification: Likely benign for Hereditary cancer-predisposing syndrome. Last evaluated: 2018-08-09. Review status: criteria provided, single submitter. Criteria: Ambry Variant Classification Scheme 2023. Collection method: clinical testing. Allele origin: germline.

NM_002382.5(MAX):c.21C>A (p.Ile7=)

Genes: MAX (MYC associated transcriptional regulator X; minus strand), LOC130055850 (ATAC-STARR-seq lymphoblastoid silent region 5847; plus strand). Cytogenetic location: 14q23.3.
Variant type: single nucleotide variant.
Coding change: c.21C>A on transcript NM_002382.5 (MANE Select); coding-DNA position 21, C replaced by A.
Protein change: p.Ile7=; no amino-acid change (isoleucine 7 retained).
Molecular consequence: synonymous variant. On other transcripts: 5 prime UTR variant (1).
Genome position (GRCh38, 1-based): chr14:65,102,319, G>T on the plus strand (C>A on the coding strand, the complement: MAX is on the minus strand). VCF-style: chr14-65102319-G-T. GRCh37 (hg19) VCF-style: chr14-65569037-G-T.
Other names: c.21C>A, p.Ile7= (NM_001271068.2, NM_001271069.2, NM_145112.3 and 3 more transcripts); c.-254C>A (NM_001320415.2).
Identifiers: ClinVar variation 412782 (VCV000412782.17), dbSNP rs760248675, ClinGen allele CA16614135.